The following is an entry in ClinVar:

NM_022082.4(SLC17A9):c.733G>A (p.Val245Ile)

Gene: SLC17A9 (solute carrier family 17 member 9; plus strand). Cytogenetic location: 20q13.33.
Variant type: single nucleotide variant.
Coding change: c.733G>A on transcript NM_022082.4 (MANE Select); coding-DNA position 733, G replaced by A.
Protein change: p.Val245Ile; replaces valine 245 with isoleucine.
Molecular consequence: missense variant.
Genome position (GRCh38, 1-based): chr20:62,963,591, G>A. VCF-style: chr20-62963591-G-A. GRCh37 (hg19) VCF-style: chr20-61594943-G-A.
Other names: c.715G>A, p.Val239Ile (NM_001302643.2); short protein forms V239I, V245I.
Identifiers: ClinVar variation 3041355 (VCV003041355.2), dbSNP rs151228610, ClinGen allele CA9953036.

ClinVar aggregate classification (germline): Benign (0 of 4 stars; one submission).

Conditions:
SLC17A9-related disorder. Also called: SLC17A9-related condition.

Allele frequency attached by ClinVar (database versions not stated): 1000 Genomes Project 0.00319; 1000 Genomes Project 30x 0.00328; gnomAD 0.00749; TOPMed 0.00759; ESP Exome Variant Server 0.01037; gnomAD exomes 0.01226.
gnomAD v4.1: 18,827 of 1,593,552 alleles (1.2%); highest among the groups gnomAD compares: Non-Finnish European, 1.5%; 158 homozygotes.

Submission:

PreventionGenetics, part of Exact Sciences
Classification: Benign for SLC17A9-related condition. Last evaluated: 2019-05-10. Review status: no assertion criteria provided. Collection method: clinical testing. Allele origin: germline.
Comment: This variant is classified as benign based on ACMG/AMP sequence variant interpretation guidelines (Richards et al. 2015 PMID: 25741868, with internal and published modifications).